The following is an entry in ClinVar:

NM_001267550.2(TTN):c.79333C>T (p.Arg26445Cys)

Genes: TTN (titin; minus strand), TTN-AS1 (TTN antisense RNA 1; plus strand). Cytogenetic location: 2q31.2.
Variant type: single nucleotide variant.
Coding change: c.79333C>T on transcript NM_001267550.2 (MANE Select); coding-DNA position 79333, C replaced by T.
Protein change: p.Arg26445Cys; replaces arginine 26445 with cysteine.
Molecular consequence: missense variant.
Genome position (GRCh38, 1-based): chr2:178,566,799, G>A on the plus strand (C>T on the coding strand, the complement: TTN is on the minus strand). VCF-style: chr2-178566799-G-A. GRCh37 (hg19) VCF-style: chr2-179431526-G-A.
Other names: c.74410C>T, p.Arg24804Cys (NM_001256850.1); c.52138C>T, p.Arg17380Cys (NM_003319.4); c.71629C>T, p.Arg23877Cys (NM_133378.4); c.52513C>T, p.Arg17505Cys (NM_133432.3); c.52714C>T, p.Arg17572Cys (NM_133437.4); short protein forms R26445C, R17380C, R17505C, R23877C, R24804C, R17572C.
Identifiers: ClinVar variation 535266 (VCV000535266.5), dbSNP rs780658084, ClinGen allele CA1989488.

ClinVar aggregate classification (germline): Uncertain significance. Review status: criteria provided, multiple submitters, no conflicts (2 of 4 stars). 2 submissions from 2 submitters: Uncertain significance (2). Last evaluated 2025-08-19.

Conditions:
TTN-related disorder. Also called: TTN-related condition; TTN-related disease; TTN-related disorders.
Dilated cardiomyopathy 1G (CMD1G). Identifiers: Orphanet 154, MedGen C1858763, MONDO:0011400, OMIM 604145.
Autosomal recessive limb-girdle muscular dystrophy type 2J (LGMDR10). Also called: MUSCULAR DYSTROPHY, LIMB-GIRDLE, AUTOSOMAL RECESSIVE 10; Limb-girdle muscular dystrophy, type 2J. Identifiers: Orphanet 140922, MedGen C1837342, MONDO:0012127, OMIM 608807.

Allele frequency attached by ClinVar (database versions not stated): ExAC 0.00002; TOPMed 0.00002.
gnomAD v4.1: 11 of 1,613,238 alleles (0.00068%); highest among the groups gnomAD compares: Admixed American, 0.0033%; no homozygotes.

Submissions (2):

PreventionGenetics, part of Exact Sciences
Classification: Uncertain significance for TTN-related condition. Last evaluated: 2025-08-19. Review status: criteria provided, single submitter. Criteria: ACMG Guidelines, 2015. Collection method: clinical testing. Allele origin: germline.
Comment: The TTN c.79333C>T variant is predicted to result in the amino acid substitution p.Arg26445Cys. To our knowledge, this variant has not been reported in the literature. This variant is reported in 0.0033% of alleles in individuals of South Asian descent in gnomAD. At this time, the clinical significance of this variant is uncertain due to the absence of conclusive functional and genetic evidence.

Labcorp Genetics (formerly Invitae), Labcorp
Classification: Uncertain significance for Dilated cardiomyopathy 1G; Autosomal recessive limb-girdle muscular dystrophy type 2J. Last evaluated: 2018-01-02. Review status: criteria provided, single submitter. Criteria: Invitae Variant Classification Sherloc (09022015). Collection method: clinical testing. Allele origin: germline.